The following is an entry in ClinVar:

NM_145046.5(CALR3):c.1066C>T (p.Arg356Cys)

Gene: CALR3 (calreticulin 3; minus strand). Cytogenetic location: 19p13.11.
Variant type: single nucleotide variant.
Coding change: c.1066C>T on transcript NM_145046.5 (MANE Select); coding-DNA position 1066, C replaced by T.
Protein change: p.Arg356Cys; replaces arginine 356 with cysteine.
Molecular consequence: missense variant.
Genome position (GRCh38, 1-based): chr19:16,479,220, G>A on the plus strand (C>T on the coding strand, the complement: CALR3 is on the minus strand). VCF-style: chr19-16479220-G-A. GRCh37 (hg19) VCF-style: chr19-16590031-G-A.
Other names: short protein forms R356C.
Identifiers: ClinVar variation 660734 (VCV000660734.13), dbSNP rs150430942, ClinGen allele CA9278182.
Genomic context (GRCh38, chr19:16,479,220, plus strand): 5'-TGAAGTAATGTTCGTGCCTGTTAATTTTTCCCGACAGCAGCTCTTCCTCCTCTTCCTCGC[G>A]GGCCTTCTTCATTTCCTCCTTGGCCTGTATGGCATCCATCTCCCTTTCTGGACCCTGGAG-3'
Protein context (NP_659483.2, residues 346-366): IQAKEEMKKA[Arg356Cys]EEEEEELLSG

ClinVar aggregate classification (germline): Conflicting classifications of pathogenicity. Review status: criteria provided, conflicting classifications (1 of 4 stars). 3 submissions from 3 submitters: Uncertain significance (2); Likely benign (1). Last evaluated 2025-12-24.

Conditions:
Hypertrophic cardiomyopathy 19. Also called: Familial hypertrophic cardiomyopathy 19. Identifiers: MedGen CN077603, MONDO:0013476.

Allele frequency attached by ClinVar (database versions not stated): ESP Exome Variant Server 0.00008; gnomAD 0.00009 and 0.00010; TOPMed 0.00011.

Submissions (3):

Labcorp Genetics (formerly Invitae), Labcorp
Classification: Uncertain significance for Hypertrophic cardiomyopathy 19. Last evaluated: 2025-12-24. Review status: criteria provided, single submitter. Criteria: Invitae Variant Classification Sherloc (09022015). Collection method: clinical testing. Allele origin: germline.
Comment: This sequence change replaces arginine, which is basic and polar, with cysteine, which is neutral and slightly polar, at codon 356 of the CALR3 protein (p.Arg356Cys). This variant is present in population databases (rs150430942, gnomAD 0.02%). This variant has not been reported in the literature in individuals affected with CALR3-related conditions. ClinVar contains an entry for this variant (Variation ID: 660734). Invitae Evidence Modeling of protein sequence and biophysical properties (such as structural, functional, and spatial information, amino acid conservation, physicochemical variation, residue mobility, and thermodynamic stability) indicates that this missense variant is not expected to disrupt CALR3 protein function with a negative predictive value of 80%. In summary, the available evidence is currently insufficient to determine the role of this variant in disease. Therefore, it has been classified as a Variant of Uncertain Significance.

Blueprint Genetics
Classification: Likely benign. Last evaluated: 2021-09-08. Review status: criteria provided, single submitter. Criteria: ACMG Guidelines, 2015. Collection method: clinical testing. Allele origin: germline.

Victorian Clinical Genetics Services, Murdoch Childrens Research Institute
Classification: Uncertain significance for Hypertrophic cardiomyopathy 19. Last evaluated: 2020-05-26. Review status: criteria provided, single submitter. Criteria: ACMG Guidelines, 2015. Collection method: clinical testing. Allele origin: germline. Inheritance: Autosomal dominant inheritance.
Comment: Based on the classification scheme VCGS_Germline_v1.1.1, this variant is classified as 3C-VUS. Following criteria are met: 0105 - The mechanism of disease for this gene is not clearly established. (N) 0107 - This gene is reported to be associated with autosomal dominant disease. However, ClinGen currently reports gene-disease assoication with HCM as limited. (N) 0200 - Variant is predicted to result in a missense amino acid change from arginine to cysteine (exon 9). (N) 0251 - Variant is heterozygous. (N) 0302 - Variant is present in gnomAD <0.001 for a dominant condition (14 heterozygotes, 0 homozygotes). (P) 0309 - Alternative amino acid changes at the same position have been observed in gnomAD. (p.Arg356Leu - 1067 heterozygotes, 13 homozygotes). (N) 0502 - Missense variant with conflicting in silico predictions and/or uninformative conservation. (N) 0604 - Variant is not located in an established domain, motif, hotspot or informative constraint region. (N) 0710 - Comparable variants have some previous evidence for being benign. An alternative change to leucine at the same residue has been classified as benign (ClinVar). (B) 0804 - Variant has previously been reported as a variant of uncertain significance (ClinVar). (N) 0905 - No segregation evidence has been identified for this variant. (N) 1007 - No published functional evidence has been identified for this variant. (N) 1208 - Inheritance information for this variant is not currently available. (N) Legend: (P) - Pathogenic, (N) - Neutral, (B) - Benign

Literature cited by the submitters: PubMed 28087566 (cited by Victorian Clinical Genetics Services, Murdoch Childrens Research Institute).